The following is an entry in ClinVar:

ClinVar aggregate classification (germline): Uncertain significance (1 of 4 stars; one submission).

Conditions:
Hereditary cancer-predisposing syndrome. Also called: Neoplastic Syndromes, Hereditary; Tumor predisposition; Hereditary Cancer Syndrome; Hereditary neoplastic syndrome. Identifiers: Orphanet 140162, MedGen C0027672, MeSH D009386, MONDO:0015356.

Submission:

Ambry Genetics
Classification: Uncertain significance for Hereditary cancer-predisposing syndrome. Last evaluated: 2022-10-11. Review status: criteria provided, single submitter. Criteria: Ambry Variant Classification Scheme 2023. Collection method: clinical testing. Allele origin: germline.
Comment: The p.L201W variant (also known as c.602T>G), located in coding exon 6 of the MRE11A gene, results from a T to G substitution at nucleotide position 602. The leucine at codon 201 is replaced by tryptophan, an amino acid with similar properties. This amino acid position is conserved. In addition, the in silico prediction for this alteration is inconclusive. Since supporting evidence is limited at this time, the clinical significance of this alteration remains unclear.

NM_005591.4(MRE11):c.602T>G (p.Leu201Trp)

Gene: MRE11 (MRE11 double strand break repair nuclease; minus strand). Cytogenetic location: 11q21.
Variant type: single nucleotide variant.
Coding change: c.602T>G on transcript NM_005591.4 (MANE Select); coding-DNA position 602, T replaced by G.
Protein change: p.Leu201Trp; replaces leucine 201 with tryptophan.
Molecular consequence: missense variant.
Genome position (GRCh38, 1-based): chr11:94,476,346, A>C on the plus strand (T>G on the coding strand, the complement: MRE11 is on the minus strand). VCF-style: chr11-94476346-A-C. GRCh37 (hg19) VCF-style: chr11-94209512-A-C.
Other names: c.602T>G, p.Leu201Trp (NM_001330347.2, NM_005590.4); short protein forms L201W.
Identifiers: ClinVar variation 1800050 (VCV001800050.2), dbSNP rs2496535263, ClinGen allele CA382376818.